The following is an entry in ClinVar:

ClinVar aggregate classification (germline): Likely pathogenic (1 of 4 stars; one submission).

Submission:

GeneDx
Classification: Likely pathogenic. Last evaluated: 2026-10-01. Review status: criteria provided, single submitter. Criteria: GeneDx Variant Classification Process June 2021. Collection method: clinical testing. Allele origin: germline.
Comment: Has not been previously published as pathogenic or benign to our knowledge; Frameshift variant predicted to result in protein truncation or nonsense mediated decay in a gene for which loss of function is a known mechanism of disease; Not observed at significant frequency in large population cohorts (gnomAD)

NM_020117.11(LARS1):c.2391dup (p.Ala798fs)

Gene: LARS1 (leucyl-tRNA synthetase 1; minus strand). Cytogenetic location: 5q32.
Variant type: Duplication.
Coding change: c.2391dup on transcript NM_020117.11 (MANE Select); coding-DNA position 2391, one base duplicated (T; older notation c.2391dupT).
Protein change: p.Ala798fs; shifts the reading frame from alanine 798.
Molecular consequence: frameshift variant.
Genome position (GRCh38, 1-based): chr5:146,132,903, A duplicated on the plus strand (T on the coding strand, the reverse complement: LARS1 is on the minus strand); the first of 5 consecutive A bases (chr5:146,132,903-146,132,907); duplicating any one gives the same sequence. VCF-style (leftmost placement, unchanged base first): chr5-146132902-C-CA. GRCh37 (hg19) VCF-style: chr5-145512465-C-CA.
Other names: c.2253dup, p.Ala752fs (NM_001317964.2); c.2229dup, p.Ala744fs (NM_001317965.2); c.2310dup, p.Ala771fs (NM_016460.4); short protein forms A744fs, A752fs, A771fs, A798fs.
Identifiers: ClinVar variation 2505884 (VCV002505884.3), dbSNP rs1561804096, ClinGen allele CA917602456.